The following is an entry in ClinVar:

ClinVar aggregate classification (germline): Pathogenic (1 of 4 stars; one submission).

Conditions:
Fanconi anemia (FA). Also called: Fanconi's anemia. Identifiers: Orphanet 84, MedGen C0015625, MeSH D005199, MONDO:0019391.

Submission:

Natera, Inc.
Classification: Pathogenic for Fanconi anemia. Last evaluated: 2025-07-11. Review status: criteria provided, single submitter. Criteria: Natera Variant Classification Schema (03/2026). Collection method: clinical testing. Allele origin: germline.
Comment: The c.2944delA variant in FANCA is a frameshift variant predicted to shift the reading frame beginning at codon 982 and leads to a stop codon 7 codons downstream. This variant is expected to result in nonsense mediated decay, truncation, or a dysfunctional protein product. This variant is rare in the general population with a frequency below the threshold expected for the associated phenotype(s). This variant has been observed in one or more individuals affected with the associated recessive disease, as either homozygous or compound heterozygous with a second variant (PMID: 36894310). Given the available evidence, this variant is classified as Pathogenic.

Literature cited by the submitters: PubMed 36894310.

NM_000135.4(FANCA):c.2944del (p.Thr982fs)

Gene: FANCA (FA complementation group A; minus strand). Cytogenetic location: 16q24.3.
Variant type: Deletion.
Coding change: c.2944del on transcript NM_000135.4 (MANE Select); coding-DNA position 2944, one base deleted (A; older notation c.2944delA).
Protein change: p.Thr982fs; shifts the reading frame from threonine 982.
Molecular consequence: frameshift variant.
Genome position (GRCh38, 1-based): chr16:89,758,614, T deleted on the plus strand (A on the coding strand, the reverse complement: FANCA is on the minus strand). VCF-style (leftmost placement, unchanged base first): chr16-89758613-GT-G. GRCh37 (hg19) VCF-style: chr16-89825021-GT-G.
Other names: c.2944del, p.Thr982fs (NM_001286167.3); short protein forms T982fs.
Identifiers: ClinVar variation 4817527 (VCV004817527.1).
Genomic context (GRCh38, chr16:89,758,613, plus strand): 5'-CCTAATACAGTGTGTGCTGCTAACCTTTGGTGGAAATCCATCAGTGCGTTGACAAGAATG[GT>G]ACACGCAGCCTGCAGGTCTCCGTCACAGCCCCCTGAAGCCGAGGACTCAGGGAGAAAGTG-3'